The following is an entry in ClinVar:

NM_012123.4(MTO1):c.1135G>C (p.Gly379Arg)

Gene: MTO1 (mitochondrial tRNA translation optimization 1; plus strand). Cytogenetic location: 6q13.
Variant type: single nucleotide variant.
Coding change: c.1135G>C on transcript NM_012123.4 (MANE Select); coding-DNA position 1135, G replaced by C.
Protein change: p.Gly379Arg; replaces glycine 379 with arginine.
Molecular consequence: missense variant.
Genome position (GRCh38, 1-based): chr6:73,480,680, G>C. VCF-style: chr6-73480680-G-C. GRCh37 (hg19) VCF-style: chr6-74190403-G-C.
Other names: c.1135G>C, p.Gly379Arg (NM_001123226.2); c.1210G>C, p.Gly404Arg (NM_133645.3); short protein forms G379R, G404R.
Identifiers: ClinVar variation 2636294 (VCV002636294.1), dbSNP rs746493463, ClinGen allele CA364715179.

ClinVar aggregate classification (germline): Uncertain significance (1 of 4 stars; one submission).

Conditions:
MTO1-related disorder. Also called: MTO1-related condition.

Submission:

PreventionGenetics, part of Exact Sciences
Classification: Uncertain significance for MTO1-related condition. Last evaluated: 2022-08-20. Review status: criteria provided, single submitter. Criteria: ACMG Guidelines, 2015. Collection method: clinical testing. Allele origin: germline.
Comment: The MTO1 c.1135G>C variant is predicted to result in the amino acid substitution p.Gly379Arg. To our knowledge, this variant has not been reported in the literature or in a large population database, indicating this variant is rare. At this time, the clinical significance of this variant is uncertain due to the absence of conclusive functional and genetic evidence.